The following is an entry in ClinVar:

ClinVar aggregate classification (germline): Uncertain significance. Review status: criteria provided, single submitter (1 of 4 stars). 2 submissions from 2 submitters: Uncertain significance (1). 1 of the submissions does not count toward it. Last evaluated 2025-08-03.

Conditions:
CRISPLD2-related disorder. Also called: CRISPLD2-related condition.

Allele frequency attached by ClinVar (database versions not stated): ExAC 0.00242; ESP Exome Variant Server 0.00254; TOPMed 0.00297; gnomAD exomes 0.00438; 1000 Genomes Project 0.00140; 1000 Genomes Project 30x 0.00156.
gnomAD v4.1: 6,844 of 1,614,018 alleles (0.42%); highest among the groups gnomAD compares: Non-Finnish European, 0.52%; 21 homozygotes.

Submissions (2):

Ambry Genetics
Classification: Uncertain significance. Last evaluated: 2025-08-03. Review status: criteria provided, single submitter. Criteria: Ambry Variant Classification Scheme 2023. Collection method: clinical testing. Allele origin: germline.

PreventionGenetics, part of Exact Sciences
Classification: Likely benign for CRISPLD2-related condition. Last evaluated: 2022-04-12. Review status: no assertion criteria provided. Collection method: clinical testing. Allele origin: germline. Not counted in ClinVar's aggregate classification.
Comment: This variant is classified as likely benign based on ACMG/AMP sequence variant interpretation guidelines (Richards et al. 2015 PMID: 25741868, with internal and published modifications).

NM_031476.4(CRISPLD2):c.784C>G (p.His262Asp)

Gene: CRISPLD2 (cysteine rich secretory protein LCCL domain containing 2; plus strand). Cytogenetic location: 16q24.1.
Variant type: single nucleotide variant.
Coding change: c.784C>G on transcript NM_031476.4 (MANE Select); coding-DNA position 784, C replaced by G.
Protein change: p.His262Asp; replaces histidine 262 with aspartic acid.
Molecular consequence: missense variant.
Genome position (GRCh38, 1-based): chr16:84,866,971, C>G. VCF-style: chr16-84866971-C-G. GRCh37 (hg19) VCF-style: chr16-84900577-C-G.
Other names: short protein forms H262D.
Identifiers: ClinVar variation 3042010 (VCV003042010.3), dbSNP rs150433030, ClinGen allele CA8211707.
Genomic context (GRCh38, chr16:84,866,971, plus strand): 5'-CCAAAACCTGAAACGGACGAGATGAATGAGGTGGAAACGGCTCCCATTCCTGAAGAAAAC[C>G]ATGTTTGGCTCCAACCGAGGGTGATGAGACCCACCAAGCCCAAGAAAACCTCTGCGGTCA-3'
Protein context (NP_113664.1, residues 252-272): VETAPIPEEN[His262Asp]VWLQPRVMRP